The following is an entry in ClinVar:

ClinVar aggregate classification (germline): Likely benign (0 of 4 stars; one submission).

Conditions:
TRAPPC14-related disorder. Also called: TRAPPC14-related condition.

Allele frequency attached by ClinVar (database versions not stated): gnomAD 0.00003; TOPMed 0.00005; 1000 Genomes Project 30x 0.00016; ExAC 0.00017; 1000 Genomes Project 0.00020.
gnomAD v4.1: 149 of 1,614,200 alleles (0.0092%); highest among the groups gnomAD compares: South Asian, 0.15%; 1 homozygote.

Submission:

PreventionGenetics, part of Exact Sciences
Classification: Likely benign for TRAPPC14-related condition. Last evaluated: 2022-05-10. Review status: no assertion criteria provided. Collection method: clinical testing. Allele origin: germline.
Comment: This variant is classified as likely benign based on ACMG/AMP sequence variant interpretation guidelines (Richards et al. 2015 PMID: 25741868, with internal and published modifications).

NM_018275.5(TRAPPC14):c.1265G>A (p.Arg422His)

Gene: TRAPPC14 (trafficking protein particle complex subunit 14; minus strand). Cytogenetic location: 7q22.1.
Variant type: single nucleotide variant.
Coding change: c.1265G>A on transcript NM_018275.5 (MANE Select); coding-DNA position 1265, G replaced by A.
Protein change: p.Arg422His; replaces arginine 422 with histidine.
Molecular consequence: missense variant.
Genome position (GRCh38, 1-based): chr7:100,155,801, C>T on the plus strand (G>A on the coding strand, the complement: TRAPPC14 is on the minus strand). VCF-style: chr7-100155801-C-T. GRCh37 (hg19) VCF-style: chr7-99753424-C-T.
Other names: c.458G>A, p.Arg153His (NM_001303470.2); short protein forms R153H, R422H.
Identifiers: ClinVar variation 3032043 (VCV003032043.2), dbSNP rs572680283, ClinGen allele CA4376704.